The following is an entry in ClinVar:

ClinVar aggregate classification (germline): Uncertain significance. Review status: criteria provided, multiple submitters, no conflicts (2 of 4 stars). 2 submissions from 2 submitters: Uncertain significance (2). Last evaluated 2023-12-14.

Conditions:
Tropical pancreatitis. Identifiers: Orphanet 103918, MedGen C1842402, MONDO:0011986, OMIM 608189.
Hereditary pancreatitis (PCTT). Also called: Hereditary chronic pancreatitis; PRSS1-Related Hereditary Pancreatitis. Identifiers: Orphanet 676, MedGen C0238339, MONDO:0008185, OMIM 167800.

Allele frequency attached by ClinVar (database versions not stated): gnomAD exomes below 0.00001; ExAC 0.00001.

Submissions (2):

Ambry Genetics
Classification: Uncertain significance for Hereditary pancreatitis. Last evaluated: 2023-12-14. Review status: criteria provided, single submitter. Criteria: Ambry Variant Classification Scheme 2023. Collection method: clinical testing. Allele origin: germline.
Comment: The p.G27E variant (also known as c.80G>A), located in coding exon 2 of the SPINK1 gene, results from a G to A substitution at nucleotide position 80. The glycine at codon 27 is replaced by glutamic acid, an amino acid with similar properties. This amino acid position is conserved. In addition, this alteration is predicted to be tolerated by in silico analysis. Since supporting evidence is limited at this time, the clinical significance of this alteration remains unclear.

Sydney Genome Diagnostics, Children's Hospital Westmead
Classification: Uncertain significance for Tropical pancreatitis. Last evaluated: 2022-04-20. Review status: criteria provided, single submitter. Criteria: ACMG Guidelines, 2015. Collection method: clinical testing. Allele origin: germline.
Comment: This variant has been reported in the gnomAD v2.1.1 browser in a single individual (allelle frequency: 0.0004% (1 out of 250,216 alleles)) (accessed: 20/04/2022). To our knowledge, this variant has not been previously reported in the literature or any disease specific databases to be a disease causing variant. In silico analysis of pathogenicity (through Alamut Visual v2.13) is inconclusive regarding this change; PolyPhen2 and MutationTaster predicts it to be likely benign whereas SIFT predicts it to be likely pathogenic. This variant is considered to be a variant of uncertain clinical significance (VOUS) according to the ACMG guidelines (Evidence used: PM2, PP4).

NM_001379610.1(SPINK1):c.80G>A (p.Gly27Glu)

Gene: SPINK1 (serine peptidase inhibitor Kazal type 1; minus strand). Cytogenetic location: 5q32.
Variant type: single nucleotide variant.
Coding change: c.80G>A on transcript NM_001379610.1 (MANE Select); coding-DNA position 80, G replaced by A.
Protein change: p.Gly27Glu; replaces glycine 27 with glutamic acid.
Molecular consequence: missense variant.
Genome position (GRCh38, 1-based): chr5:147,829,606, C>T on the plus strand (G>A on the coding strand, the complement: SPINK1 is on the minus strand). VCF-style: chr5-147829606-C-T. GRCh37 (hg19) VCF-style: chr5-147209169-C-T.
Other names: c.80G>A, p.Gly27Glu (NM_001354966.2, NM_003122.5); short protein forms G27E.
Identifiers: ClinVar variation 1697266 (VCV001697266.3), dbSNP rs769727763, ClinGen allele CA3494809.